The following is an entry in ClinVar:

ClinVar aggregate classification (germline): Uncertain significance. Review status: criteria provided, multiple submitters, no conflicts (2 of 4 stars). 2 submissions from 2 submitters: Uncertain significance (2). Last evaluated 2025-12-24.

Conditions:
Duchenne muscular dystrophy (DMD). Also called: MUSCULAR DYSTROPHY, PSEUDOHYPERTROPHIC PROGRESSIVE, DUCHENNE TYPE; Duchenne Muscular Dystrophy (DMD). Identifiers: Orphanet 98896, MedGen C0013264, MONDO:0010679, OMIM 310200.
Cardiovascular phenotype. Identifiers: MedGen CN230736.

Allele frequency attached by ClinVar (database versions not stated): gnomAD exomes below 0.00001; gnomAD 0.00001.
gnomAD v4.1: 2 of 1,209,538 alleles (0.00017%); highest among the groups gnomAD compares: African/African-American, 0.0035%; no homozygotes.

Submissions (2):

Labcorp Genetics (formerly Invitae), Labcorp
Classification: Uncertain significance for Duchenne muscular dystrophy. Last evaluated: 2025-12-24. Review status: criteria provided, single submitter. Criteria: Invitae Variant Classification Sherloc (09022015). Collection method: clinical testing. Allele origin: germline.
Comment: This sequence change replaces aspartic acid, which is acidic and polar, with glutamic acid, which is acidic and polar, at codon 2289 of the DMD protein (p.Asp2289Glu). This variant is not present in population databases (gnomAD no frequency). This variant has not been reported in the literature in individuals affected with DMD-related conditions. ClinVar contains an entry for this variant (Variation ID: 1755859). Invitae Evidence Modeling of protein sequence and biophysical properties (such as structural, functional, and spatial information, amino acid conservation, physicochemical variation, residue mobility, and thermodynamic stability) indicates that this missense variant is not expected to disrupt DMD protein function with a negative predictive value of 95%. In summary, the available evidence is currently insufficient to determine the role of this variant in disease. Therefore, it has been classified as a Variant of Uncertain Significance.

Ambry Genetics
Classification: Uncertain significance for Cardiovascular phenotype. Last evaluated: 2021-10-19. Review status: criteria provided, single submitter. Criteria: Ambry Variant Classification Scheme 2023. Collection method: clinical testing. Allele origin: germline.
Comment: The p.D2289E variant (also known as c.6867T>A), located in coding exon 47 of the DMD gene, results from a T to A substitution at nucleotide position 6867. The aspartic acid at codon 2289 is replaced by glutamic acid, an amino acid with highly similar properties. This amino acid position is well conserved in available vertebrate species. In addition, this alteration is predicted to be tolerated by in silico analysis. Since supporting evidence is limited at this time, the clinical significance of this alteration remains unclear.

NM_004006.3(DMD):c.6867T>A (p.Asp2289Glu)

Gene: DMD (dystrophin; minus strand). Cytogenetic location: Xp21.1.
Variant type: single nucleotide variant.
Coding change: c.6867T>A on transcript NM_004006.3 (MANE Select); coding-DNA position 6867, T replaced by A.
Protein change: p.Asp2289Glu; replaces aspartic acid 2289 with glutamic acid.
Molecular consequence: missense variant. On other transcripts: 5 prime UTR variant (5).
Genome position (GRCh38, 1-based): chrX:31,929,641, A>T on the plus strand (T>A on the coding strand, the complement: DMD is on the minus strand). VCF-style: chrX-31929641-A-T. GRCh37 (hg19) VCF-style: chrX-31947758-A-T.
Other names: c.6843T>A, p.Asp2281Glu (NM_000109.4); c.6855T>A, p.Asp2285Glu (NM_004009.3); c.6498T>A, p.Asp2166Glu (NM_004010.3); c.2844T>A, p.Asp948Glu (NM_004011.4); c.2835T>A, p.Asp945Glu (NM_004012.4); c.-514T>A (NM_004013.3, NM_004020.4, NM_004021.3 and 2 more transcripts); short protein forms D2285E, D948E, D2166E, D2281E, D945E, D2289E.
Identifiers: ClinVar variation 1755859 (VCV001755859.3), dbSNP rs2094827917, ClinGen allele CA412657854.